The following is an entry in ClinVar:

ClinVar aggregate classification (germline): Uncertain significance. Review status: criteria provided, multiple submitters, no conflicts (2 of 4 stars). 2 submissions from 2 submitters: Uncertain significance (2). Last evaluated 2022-03-10.

Allele frequency attached by ClinVar (database versions not stated): TOPMed below 0.00001; gnomAD 0.00001 and 0.00002.
gnomAD v4.1: 13 of 1,467,262 alleles (0.00089%); highest among the groups gnomAD compares: Admixed American, 0.0019%; no homozygotes.

Submissions (2):

Labcorp Genetics (formerly Invitae), Labcorp
Classification: Uncertain significance. Last evaluated: 2022-03-10. Review status: criteria provided, single submitter. Criteria: Invitae Variant Classification Sherloc (09022015). Collection method: clinical testing. Allele origin: germline.
Comment: This sequence change replaces arginine, which is basic and polar, with glutamine, which is neutral and polar, at codon 22 of the PRCD protein (p.Arg22Gln). The frequency data for this variant in the population databases is considered unreliable, as metrics indicate poor data quality at this position in the gnomAD database. This variant has not been reported in the literature in individuals affected with PRCD-related conditions. ClinVar contains an entry for this variant (Variation ID: 848892). Algorithms developed to predict the effect of missense changes on protein structure and function output the following: SIFT: "Deleterious"; PolyPhen-2: "Benign"; Align-GVGD: "Class C35". The glutamine amino acid residue is found in multiple mammalian species, which suggests that this missense change does not adversely affect protein function. In summary, the available evidence is currently insufficient to determine the role of this variant in disease. Therefore, it has been classified as a Variant of Uncertain Significance.

Breakthrough Genomics
Classification: Uncertain significance. Review status: criteria provided, single submitter. Criteria: ACMG Guidelines, 2015. Collection method: not provided. Allele origin: germline. Inheritance: Unknown mechanism. Affected: yes.

NM_001077620.3(PRCD):c.65G>A (p.Arg22Gln)

Genes: CYGB (cytoglobin; minus strand), PRCD (photoreceptor disc component; plus strand). Cytogenetic location: 17q25.1.
Variant type: single nucleotide variant.
Coding change: c.65G>A on transcript NM_001077620.3 (MANE Select); coding-DNA position 65, G replaced by A.
Protein change: p.Arg22Gln; replaces arginine 22 with glutamine.
Molecular consequence: missense variant.
Genome position (GRCh38, 1-based): chr17:76,540,206, G>A. VCF-style: chr17-76540206-G-A. GRCh37 (hg19) VCF-style: chr17-74536288-G-A.
Other names: short protein forms R22Q.
Identifiers: ClinVar variation 848892 (VCV000848892.7), dbSNP rs760704583, ClinGen allele CA8787814.